The following is an entry in ClinVar:

ClinVar aggregate classification (germline): Conflicting classifications of pathogenicity. Review status: criteria provided, conflicting classifications (1 of 4 stars). 8 submissions from 8 submitters: Uncertain significance (7); Likely benign (1). Last evaluated 2026-08-01.

Conditions:
STRC-related disorder. Also called: STRC-related condition.
Autosomal recessive nonsyndromic hearing loss 16. Also called: DEAFNESS, AUTOSOMAL RECESSIVE 16; DFNB16 Nonsyndromic Hearing Loss and Deafness. Identifiers: Orphanet 90636, MedGen C1863561, MONDO:0011364, OMIM 603720.

Allele frequency attached by ClinVar (database versions not stated): 1000 Genomes Project 30x 0.00016; gnomAD exomes 0.00085; ExAC 0.00339.

Submissions (8):

CeGaT Center for Human Genetics Tuebingen
Classification: Likely benign. Last evaluated: 2026-08-01. Review status: criteria provided, single submitter. Criteria: CeGaT Center For Human Genetics Tuebingen Variant Classification Criteria Version 2. Collection method: clinical testing. Allele origin: germline. Affected: yes. Observed: 2 variant alleles.
Comment: STRC: BS2

PreventionGenetics, part of Exact Sciences
Classification: Uncertain significance for STRC-related condition. Last evaluated: 2026-04-15. Review status: criteria provided, single submitter. Criteria: ACMG Guidelines, 2015. Collection method: clinical testing. Allele origin: germline.
Comment: The STRC c.3218G>A variant is predicted to result in the amino acid substitution p.Arg1073Gln. This variant was reported in a patient with non-syndromic hearing loss in conjunction with a second pathogenic variant (Table S1, Safka Brozkova et al 2020. PubMed ID: 32860223). This variant is reported in 0.27% of alleles in individuals of Ashkenazi Jewish descent in gnomAD including one homozygote, although allele frequency data at this locus may be unreliable due to sequence paralogy. At this time, the clinical significance of this variant is uncertain due to the absence of conclusive functional and genetic evidence.

GeneDx
Classification: Uncertain significance. Last evaluated: 2025-06-18. Review status: criteria provided, single submitter. Criteria: GeneDx Variant Classification Process June 2021. Collection method: clinical testing. Allele origin: germline. Affected: yes.
Comment: In silico analysis suggests that this missense variant does not alter protein structure/function; This variant is associated with the following publications: (PMID: 32860223)

Mayo Clinic Laboratories, Mayo Clinic
Classification: Uncertain significance. Last evaluated: 2022-10-28. Review status: criteria provided, single submitter. Criteria: ACMG Guidelines, 2015. Collection method: clinical testing. Allele origin: germline. Observed: 2 variant alleles.
Comment: BS1_supporting, BP4, PM3

Baylor Genetics
Classification: Uncertain significance for Autosomal recessive nonsyndromic hearing loss 16. Last evaluated: 2020-02-05. Review status: criteria provided, single submitter. Criteria: ACMG Guidelines, 2015. Collection method: clinical testing. Allele origin: unknown. Affected: yes.
Comment: This variant was determined to be of uncertain significance according to ACMG Guidelines, 2015 [PMID:25741868].

Laboratory for Molecular Medicine, Mass General Brigham Personalized Medicine
Classification: Uncertain significance. Last evaluated: 2015-11-25. Review status: criteria provided, single submitter. Criteria: LMM Criteria. Collection method: clinical testing. Allele origin: germline. Observed: 4 variant alleles.
Comment: Variant classified as Uncertain Significance - Favor Benign. The p.Arg1073Gln va riant in STRC has been previously reported in three individuals with hearing los s (LMM unpublished data), one of whom had a pathogenic variant and the p.Cys1092 Tyr variant of uncertain significance in STRC; however, the cis/trans configurat ion of the variants was not determined. A second STRC variant was not detected i n the other two individuals (LMM unpublished data). This variant has been identi fied in 0.5% (4/888) of European chromosomes and in 0.4% (2/492) of South Asian chromosomes by the Exome Aggregation Consortium (ExAC; dbSNP rs727503449); however, this allele frequency is not high enough to rule out a pathogenic role. Computational prediction tools and conservation anal yses suggest that the variant may not impact the protein, though this informatio n is not predictive enough to rule out pathogenicity. In summary, while the clin ical significance of the p.Arg1073Gln variant is uncertain, the population frequ ency data suggests that it is more likely to be benign.

Breakthrough Genomics
Classification: Uncertain significance. Review status: criteria provided, single submitter. Criteria: ACMG Guidelines, 2015. Collection method: not provided. Allele origin: germline. Inheritance: Autosomal recessive inheritance. Affected: yes.

Genome-Nilou Lab
Classification: Uncertain significance for Autosomal recessive nonsyndromic hearing loss 16. Review status: criteria provided, single submitter. Criteria: ACMG Guidelines, 2015. Collection method: clinical testing. Allele origin: germline.

Literature cited by the submitters: PubMed 32860223 (cited by Mayo Clinic Laboratories, Mayo Clinic).

NM_153700.2(STRC):c.3218G>A (p.Arg1073Gln)

Gene: STRC (stereocilin; minus strand). Cytogenetic location: 15q15.3.
Variant type: single nucleotide variant.
Coding change: c.3218G>A on transcript NM_153700.2 (MANE Select); coding-DNA position 3218, G replaced by A.
Protein change: p.Arg1073Gln; replaces arginine 1073 with glutamine.
Molecular consequence: missense variant.
Genome position (GRCh38, 1-based): chr15:43,611,236, C>T on the plus strand (G>A on the coding strand, the complement: STRC is on the minus strand). VCF-style: chr15-43611236-C-T. GRCh37 (hg19) VCF-style: chr15-43903434-C-T.
Other names: short protein forms R1073Q.
Identifiers: ClinVar variation 165320 (VCV000165320.19), dbSNP rs727503449, ClinGen allele CA178063.